The following is an entry in ClinVar:

ClinVar aggregate classification (germline): Uncertain significance (1 of 4 stars; one submission).

Submission:

CeGaT Center for Human Genetics Tuebingen
Classification: Uncertain significance. Last evaluated: 2023-11-01. Review status: criteria provided, single submitter. Criteria: CeGaT Center For Human Genetics Tuebingen Variant Classification Criteria Version 2. Collection method: clinical testing. Allele origin: germline. Affected: yes. Observed: 1 variant allele.
Comment: DAB1: PM2, BP4

NM_001365792.1(DAB1):c.1091C>G (p.Ala364Gly)

Gene: DAB1 (DAB adaptor protein 1; minus strand). Cytogenetic location: 1p32.2.
Variant type: single nucleotide variant.
Coding change: c.1091C>G on transcript NM_001365792.1 (MANE Select); coding-DNA position 1091, C replaced by G.
Protein change: p.Ala364Gly; replaces alanine 364 with glycine.
Molecular consequence: missense variant.
Genome position (GRCh38, 1-based): chr1:57,015,236, G>C on the plus strand (C>G on the coding strand, the complement: DAB1 is on the minus strand). VCF-style: chr1-57015236-G-C. GRCh37 (hg19) VCF-style: chr1-57480909-G-C.
Other names: c.1091C>G, p.Ala364Gly (NM_001353983.2, NM_001353985.2, NM_001365793.1 and 3 more transcripts); c.1085C>G, p.Ala362Gly (NM_001353986.2, NM_001379461.1); short protein forms A362G, A364G.
Identifiers: ClinVar variation 2672337 (VCV002672337.23), dbSNP rs1186883392, ClinGen allele CA340529161.